The following is an entry in ClinVar:

NM_001197104.2(KMT2A):c.8407C>T (p.Gln2803Ter)

Gene: KMT2A (lysine methyltransferase 2A; plus strand). Cytogenetic location: 11q23.3.
Variant type: single nucleotide variant.
Coding change: c.8407C>T on transcript NM_001197104.2 (MANE Select); coding-DNA position 8407, C replaced by T.
Protein change: p.Gln2803Ter; replaces glutamine 2803 with a stop codon.
Molecular consequence: nonsense.
Genome position (GRCh38, 1-based): chr11:118,504,299, C>T. VCF-style: chr11-118504299-C-T. GRCh37 (hg19) VCF-style: chr11-118375014-C-T.
Other names: c.8497C>T, p.Gln2833Ter (NM_001412597.1); c.8398C>T, p.Gln2800Ter (NM_005933.4); short protein forms Q2800*, Q2833*, Q2803*.
Identifiers: ClinVar variation 2297681 (VCV002297681.3), dbSNP rs2134398464, ClinGen allele CA382813480.

ClinVar aggregate classification (germline): Pathogenic. Review status: criteria provided, multiple submitters, no conflicts (2 of 4 stars). 2 submissions from 2 submitters: Pathogenic (2). Last evaluated 2025-03-08.

Conditions:
Inborn genetic diseases. Identifiers: MedGen C0950123, MeSH D030342.

Submissions (2):

GeneDx
Classification: Pathogenic. Last evaluated: 2025-03-08. Review status: criteria provided, single submitter. Criteria: GeneDx Variant Classification Process June 2021. Collection method: clinical testing. Allele origin: germline. Affected: yes.
Comment: Nonsense variant predicted to result in protein truncation or nonsense mediated decay in a gene for which loss of function is a known mechanism of disease; Not observed at significant frequency in large population cohorts (gnomAD); This variant is associated with the following publications: (PMID: 27759909, 30138938)

Ambry Genetics
Classification: Pathogenic for Inborn genetic diseases. Last evaluated: 2022-07-15. Review status: criteria provided, single submitter. Criteria: Ambry Variant Classification Scheme 2023. Collection method: clinical testing. Allele origin: germline.
Comment: The c.8407C>T (p.Q2803*) alteration, located in exon 27 (coding exon 27) of the KMT2A gene, consists of a C to T substitution at nucleotide position 8407. This changes the amino acid from a glutamine (Q) to a stop codon at amino acid position 2803. This alteration is expected to result in loss of function by premature protein truncation or nonsense-mediated mRNA decay. This variant was not reported in population-based cohorts in the Genome Aggregation Database (gnomAD). This alteration has been reported de novo in unrelated Chinese patients with features consistent with Wiedemann-Steiner syndrome (Sun, 2017; Huang, 2018). Based on the available evidence, this alteration is classified as pathogenic.

Literature cited by the submitters: PubMed 27759909 (cited by Ambry Genetics); PubMed 30138938 (cited by Ambry Genetics).